The following is an entry in ClinVar:

NM_000271.5(NPC1):c.1947+13_1947+14insGT

Gene: NPC1 (NPC intracellular cholesterol transporter 1; minus strand). Cytogenetic location: 18q11.2.
Variant type: Insertion.
Coding change: c.1947+13_1947+14insGT on transcript NM_000271.5 (MANE Select); bases 13 to 14 of the intron after coding-DNA position 1947, GT inserted.
Molecular consequence: intron variant.
Genome position: GRCh38 VCF-style: chr18-23544946-C-CCA. GRCh37 (hg19) VCF-style: chr18-21124910-C-CCA.
Identifiers: ClinVar variation 3031016 (VCV003031016.2), dbSNP rs1555634646, ClinGen allele CA2556933920.

ClinVar aggregate classification (germline): Likely benign (0 of 4 stars; one submission).

Conditions:
NPC1-related disorder. Also called: NPC1-related condition.

Submission:

PreventionGenetics, part of Exact Sciences
Classification: Likely benign for NPC1-related condition. Last evaluated: 2022-04-01. Review status: no assertion criteria provided. Collection method: clinical testing. Allele origin: germline.
Comment: This variant is classified as likely benign based on ACMG/AMP sequence variant interpretation guidelines (Richards et al. 2015 PMID: 25741868, with internal and published modifications).